The following is an entry in ClinVar:

NM_173728.4(ARHGEF15):c.214C>T (p.Pro72Ser)

Gene: ARHGEF15 (Rho guanine nucleotide exchange factor 15; plus strand). Cytogenetic location: 17p13.1.
Variant type: single nucleotide variant.
Coding change: c.214C>T on transcript NM_173728.4 (MANE Select); coding-DNA position 214, C replaced by T.
Protein change: p.Pro72Ser; replaces proline 72 with serine.
Molecular consequence: missense variant.
Genome position (GRCh38, 1-based): chr17:8,312,253, C>T. VCF-style: chr17-8312253-C-T. GRCh37 (hg19) VCF-style: chr17-8215571-C-T.
Other names: c.214C>T, p.Pro72Ser (NM_025014.2); short protein forms P72S.
Identifiers: ClinVar variation 1512650 (VCV001512650.9), dbSNP rs774598794, ClinGen allele CA8374809.

ClinVar aggregate classification (germline): Uncertain significance (1 of 4 stars; one submission).

Conditions:
Early-infantile DEE. Also called: Early infantile epileptic encephalopathy; Ohtahara syndrome; Early infantile epileptic encephalopathy with suppression bursts. Identifiers: Orphanet 1934, MedGen C0393706, MONDO:0800491.

Allele frequency attached by ClinVar (database versions not stated): TOPMed below 0.00001; gnomAD 0.00001; gnomAD exomes 0.00001; ExAC 0.00002.
gnomAD v4.1: 11 of 1,357,552 alleles (0.00081%); highest among the groups gnomAD compares: African/African-American, 0.0015%; no homozygotes.

Submission:

Labcorp Genetics (formerly Invitae), Labcorp
Classification: Uncertain significance for Early-infantile DEE. Last evaluated: 2021-08-09. Review status: criteria provided, single submitter. Criteria: Invitae Variant Classification Sherloc (09022015). Collection method: clinical testing. Allele origin: germline.
Comment: This sequence change replaces proline with serine at codon 72 of the ARHGEF15 protein (p.Pro72Ser). The proline residue is moderately conserved and there is a moderate physicochemical difference between proline and serine. This variant is present in population databases (rs774598794, ExAC 0.003%). This variant has not been reported in the literature in individuals with ARHGEF15-related conditions. Algorithms developed to predict the effect of missense changes on protein structure and function output the following: SIFT: "Tolerated"; PolyPhen-2: "Benign"; Align-GVGD: "Class C0". The serine amino acid residue is found in multiple mammalian species, suggesting that this missense change does not adversely affect protein function. These predictions have not been confirmed by published functional studies and their clinical significance is uncertain. In summary, the available evidence is currently insufficient to determine the role of this variant in disease. Therefore, it has been classified as a Variant of Uncertain Significance.